The following is an entry in ClinVar:

NM_000719.7(CACNA1C):c.168C>T (p.Ile56=)

Gene: CACNA1C (calcium voltage-gated channel subunit alpha1 C; plus strand). Cytogenetic location: 12p13.33.
Variant type: single nucleotide variant.
Coding change: c.168C>T on transcript NM_000719.7 (MANE Select); coding-DNA position 168, C replaced by T.
Protein change: p.Ile56=; no amino-acid change (isoleucine 56 retained).
Molecular consequence: synonymous variant.
Genome position (GRCh38, 1-based): chr12:2,115,342, C>T. VCF-style: chr12-2115342-C-T. GRCh37 (hg19) VCF-style: chr12-2224508-C-T.
Other names: c.168C>T, p.Ile56= (NM_001129827.2, NM_001129829.2, NM_001129830.3 and 19 more transcripts).
Identifiers: ClinVar variation 700143 (VCV000700143.32), dbSNP rs763760402, ClinGen allele CA6388400.

ClinVar aggregate classification (germline): Likely benign. Review status: criteria provided, multiple submitters, no conflicts (2 of 4 stars). 3 submissions from 3 submitters: Likely benign (3). Last evaluated 2025-07-01.

Conditions:
Long QT syndrome (LQTS). Identifiers: MedGen C0023976, MeSH D008133, MONDO:0002442. Disease mechanism: loss of function. Inheritance: Various modes of inheritance.
Cardiovascular phenotype. Identifiers: MedGen CN230736.

Allele frequency attached by ClinVar (database versions not stated): TOPMed 0.00002; ExAC below 0.00001; gnomAD 0.00001; gnomAD exomes 0.00001.
gnomAD v4.1: 25 of 1,585,428 alleles (0.0016%); highest among the groups gnomAD compares: East Asian, 0.0023%; no homozygotes.

Submissions (3):

Labcorp Genetics (formerly Invitae), Labcorp
Classification: Likely benign for Long QT syndrome. Last evaluated: 2025-07-01. Review status: criteria provided, single submitter. Criteria: Invitae Variant Classification Sherloc (09022015). Collection method: clinical testing. Allele origin: germline.

CeGaT Center for Human Genetics Tuebingen
Classification: Likely benign. Last evaluated: 2022-08-01. Review status: criteria provided, single submitter. Criteria: CeGaT Center For Human Genetics Tuebingen Variant Classification Criteria Version 2. Collection method: clinical testing. Allele origin: germline. Affected: yes. Observed: 1 variant allele.
Comment: CACNA1C: BP4, BP7

Ambry Genetics
Classification: Likely benign for Cardiovascular phenotype. Last evaluated: 2020-03-06. Review status: criteria provided, single submitter. Criteria: Ambry Variant Classification Scheme 2023. Collection method: clinical testing. Allele origin: germline.